The following is an entry in ClinVar:

NM_001040142.2(SCN2A):c.2566C>G (p.Arg856Gly)

Gene: SCN2A (sodium voltage-gated channel alpha subunit 2; plus strand). Cytogenetic location: 2q24.3.
Variant type: single nucleotide variant.
Coding change: c.2566C>G on transcript NM_001040142.2 (MANE Select); coding-DNA position 2566, C replaced by G.
Protein change: p.Arg856Gly; replaces arginine 856 with glycine.
Molecular consequence: missense variant.
Genome position (GRCh38, 1-based): chr2:165,344,558, C>G. VCF-style: chr2-165344558-C-G. GRCh37 (hg19) VCF-style: chr2-166201068-C-G.
Other names: c.2566C>G, p.Arg856Gly (NM_001040143.2, NM_001371246.1, NM_001371247.1 and 1 more transcripts); short protein forms R856G.
Identifiers: ClinVar variation 4993367 (VCV004993367.1).

ClinVar aggregate classification (germline): Likely pathogenic (1 of 4 stars; one submission).

Conditions:
SCN2A-related disorder. Also called: SCN2A-related condition; SCN2A-related disorders. Identifiers: MedGen CN382226, MONDO:1060245.

Submission:

PreventionGenetics, part of Exact Sciences
Classification: Likely pathogenic for SCN2A-related condition. Last evaluated: 2025-12-12. Review status: criteria provided, single submitter. Criteria: ACMG Guidelines, 2015. Collection method: clinical testing. Allele origin: germline.
Comment: The SCN2A c.2566C>G variant is predicted to result in the amino acid substitution p.Arg856Gly. To our knowledge, this variant has not been reported in the literature or in a large population database (gnomAD), indicating this variant is rare. An alternate missense variant affecting the same amino acid (c.2567G>A, p.Arg856Gln) was reported in multiple individuals with SCN2A-related conditions (Møller et al. 2016. PubMed ID: 27781031; Brunklaus et al. 2020. PubMed ID: 32090326; Howell et al. 2015. PubMed ID: 26291284; Supplementary Table 1, Ilic et al. 2024. PubMed ID: 38927725; Wolff et al. 2017. PubMed ID: 28379373). To our knowledge, this variant has not been reported in the literature or in a large population database (gnomAD), indicating this variant is rare. This variant is interpreted as likely pathogenic.